The following is an entry in ClinVar:

ClinVar aggregate classification (germline): Uncertain significance (1 of 4 stars; one submission).

Submission:

Women's Health and Genetics/Laboratory Corporation of America, LabCorp
Classification: Uncertain significance. Last evaluated: 2026-02-06. Review status: criteria provided, single submitter. Criteria: LabCorp Variant Classification Summary - May 2015. Collection method: clinical testing. Allele origin: germline.
Comment: Variant summary: F8 c.5339C>G (p.Pro1780Arg) results in a non-conservative amino acid change in the encoded protein sequence. Algorithms developed to predict the effect of missense changes on protein structure and function all suggest that this variant is likely to be disruptive. The variant was absent in 183151 control chromosomes. The available data on variant occurrences in the general population are insufficient to allow any conclusion about variant significance. c.5339C>G has been observed in one individual affected with Factor VIII Deficiency (Hemophilia A) (Ravanbod_2012). The report does not provide unequivocal conclusions about association of the variant with Factor VIII Deficiency (Hemophilia A). To our knowledge, no experimental evidence demonstrating an impact on protein function has been reported. The following publication have been ascertained in the context of this evaluation (PMID: 22117735). No submitters have cited clinical-significance assessments for this variant to ClinVar. Based on the evidence outlined above, the variant was classified as uncertain significance.

Literature cited by the submitters: PubMed 22117735.

NM_000132.4(F8):c.5339C>G (p.Pro1780Arg)

Gene: F8 (coagulation factor VIII; minus strand). Cytogenetic location: Xq28.
Variant type: single nucleotide variant.
Coding change: c.5339C>G on transcript NM_000132.4 (MANE Select); coding-DNA position 5339, C replaced by G.
Protein change: p.Pro1780Arg; replaces proline 1780 with arginine.
Molecular consequence: missense variant.
Genome position (GRCh38, 1-based): chrX:154,906,454, G>C on the plus strand (C>G on the coding strand, the complement: F8 is on the minus strand). VCF-style: chrX-154906454-G-C. GRCh37 (hg19) VCF-style: chrX-154134729-G-C.
Other names: short protein forms P1780R.
Identifiers: ClinVar variation 4847996 (VCV004847996.1).